The following is an entry in ClinVar:

NC_012920.1(MT-ATP6):m.8999T>C

Gene: MT-ATP6 (mitochondrially encoded ATP synthase 6; plus strand).
Variant type: single nucleotide variant.
Genome position: chrM-8999-T-C.
Identifiers: ClinVar variation 693049 (VCV000693049.1), dbSNP rs1603221963, ClinGen allele CA414801811.

ClinVar aggregate classification (germline): Likely benign (1 of 4 stars; one submission).

Conditions:
Leigh syndrome (NULS). Also called: Leigh's necrotizing encephalopathy; Leigh's disease; Leigh Syndrome (mtDNA deletion); Leigh Disease; Subacute necrotizing encephalopathy; Necrotizing encephalopathy infantile subacute of Leigh. Identifiers: Orphanet 506, MedGen C2931891, MONDO:0009723, OMIM 256000.

Submission:

Wong Mito Lab, Molecular and Human Genetics, Baylor College of Medicine
Classification: Likely benign for Leigh syndrome. Last evaluated: 2019-10-17. Review status: criteria provided, single submitter. Criteria: Modified ACMG Guidelines (Unpublished). Collection method: clinical testing. Allele origin: germline.
Comment: The NC_012920.1:m.8999T>C (YP_003024031.1:p.Val158Ala) variant in MTATP6 gene is interpretated to be a Likely Benign variant based on the modified ACMG guidelines (unpublished). This variant meets the following evidence codes: BP4, BP6

Literature cited by the submitters: PubMed 22110754.